The following is an entry in ClinVar:

ClinVar aggregate classification (germline): Uncertain significance. Review status: criteria provided, multiple submitters, no conflicts (2 of 4 stars). 2 submissions from 2 submitters: Uncertain significance (2). Last evaluated 2025-09-24.

Conditions:
Charcot-Marie-Tooth disease type 2. Also called: Charcot-Marie-Tooth type 2. Identifiers: Orphanet 64746, MedGen C0270914, MONDO:0018993.

Allele frequency attached by ClinVar (database versions not stated): TOPMed below 0.00001.
gnomAD v4.1: 18 of 1,599,468 alleles (0.0011%); highest among the groups gnomAD compares: Non-Finnish European, 0.0015%; no homozygotes.

Submissions (2):

Ambry Genetics
Classification: Uncertain significance. Last evaluated: 2025-09-24. Review status: criteria provided, single submitter. Criteria: Ambry Variant Classification Scheme 2023. Collection method: clinical testing. Allele origin: germline.
Comment: The p.E287D variant (also known as c.861G>C), located in coding exon 8 of the KIF1B gene, results from a G to C substitution at nucleotide position 861. The glutamic acid at codon 287 is replaced by aspartic acid, an amino acid with highly similar properties. This amino acid position is conserved. In addition, the in silico prediction for this alteration is inconclusive. Since supporting evidence is limited at this time, the clinical significance of this alteration remains unclear.

Labcorp Genetics (formerly Invitae), Labcorp
Classification: Uncertain significance for Charcot-Marie-Tooth disease type 2. Last evaluated: 2023-12-27. Review status: criteria provided, single submitter. Criteria: Invitae Variant Classification Sherloc (09022015). Collection method: clinical testing. Allele origin: germline.
Comment: This sequence change replaces glutamic acid, which is acidic and polar, with aspartic acid, which is acidic and polar, at codon 287 of the KIF1B protein (p.Glu287Asp). This variant is present in population databases (no rsID available, gnomAD 0.0009%). This variant has not been reported in the literature in individuals affected with KIF1B-related conditions. ClinVar contains an entry for this variant (Variation ID: 1764067). An algorithm developed to predict the effect of missense changes on protein structure and function (PolyPhen-2) suggests that this variant is likely to be tolerated. In summary, the available evidence is currently insufficient to determine the role of this variant in disease. Therefore, it has been classified as a Variant of Uncertain Significance.

NM_001365951.3(KIF1B):c.861G>C (p.Glu287Asp)

Gene: KIF1B (kinesin family member 1B; plus strand). Cytogenetic location: 1p36.22.
Variant type: single nucleotide variant.
Coding change: c.861G>C on transcript NM_001365951.3 (MANE Select); coding-DNA position 861, G replaced by C.
Protein change: p.Glu287Asp; replaces glutamic acid 287 with aspartic acid.
Molecular consequence: missense variant.
Genome position (GRCh38, 1-based): chr1:10,272,303, G>C. VCF-style: chr1-10272303-G-C. GRCh37 (hg19) VCF-style: chr1-10332361-G-C.
Other names: c.861G>C, p.Glu287Asp (NM_001365952.1, NM_001365953.1, NM_015074.3 and 1 more transcripts); short protein forms E287D.
Identifiers: ClinVar variation 1764067 (VCV001764067.6), dbSNP rs1303168899, ClinGen allele CA338331909.